The following is an entry in ClinVar:

ClinVar aggregate classification (germline): Pathogenic. Review status: reviewed by expert panel (3 of 4 stars). 3 submissions from 3 submitters: Pathogenic (1). 2 of the submissions do not count toward it. Last evaluated 2026-01-05.

Conditions:
Mucopolysaccharidosis type 1. Also called: IDUA deficiency; MPS I; Mucopolysaccharidosis Type I. Identifiers: Orphanet 579, MedGen C0023786, MONDO:0001586.

gnomAD v4.1: 1 of 1,612,350 alleles (0.000062%); highest among the groups gnomAD compares: Non-Finnish European, 0.000085%; no homozygotes.

Submissions (3):

ClinGen Lysosomal Storage Disorder Variant Curation Expert Panel
Classification: Pathogenic for Mucopolysaccharidosis type 1. Last evaluated: 2026-01-05. Review status: reviewed by expert panel. Criteria: ClinGen LSD ACMG Specifications IDUA V1.2.0. Collection method: curation. Allele origin: germline. Inheritance: Autosomal recessive inheritance.
Comment: The NM_000203.5:c.1727+1G>A variant in IDUA occurs within the canonical splice donor site of intron 12. It is predicted to cause skipping of biologically-relevant-exon 12 out of 14, resulting in a frameshift leading to nonsense mediated decay in a gene in which loss-of-function is an established disease mechanism (PVS1). One patient with this variant displayed MPS I severe (Hurler) phenotype with documented values showing deficient IDUA enzyme activity (PMID: 30809705) (PP4). This patient was reported to be compound heterozygous for the variant and another variant in IDUA, c.1487C>G (p.Pro496Arg) (ClinVar Variation ID: 49686) (PMID: 21394825). The allelic data from this patients can be used in the future classification of p.Pro496Arg and is not included here to avoid circular logic. The highest population minor allele frequency in gnomAD v4.0. is 0.0000008476 (1/1179784 alleles) in the Non-Finnish European population, which is lower than the ClinGen Lysosomal Diseases VCEP’s threshold for PM2_Supporting (<0.00025), meeting this criterion (PM2_Supporting). There is a ClinVar entry for this variant (Variation ID: 638077). In summary, this variant meets the criteria to be classified as Pathogenic for MPS I. IDUA-specific ACMG/AMP criteria applied, as specified by the ClinGen Lysosomal Diseases Expert Panel (Specifications Version 1.2.0: PVS1, PP4, PM2_Supporting (Classification approved by the ClinGen Lysosomal Diseases Expert Panel on January 5, 2026)

Laboratory of Diagnosis and Therapy of Lysosomal Disorders, University of Padova
Classification: Likely pathogenic for Mucopolysaccharidosis type I. Last evaluated: 2019-01-01. Review status: criteria provided, single submitter. Criteria: ACMG Guidelines, 2015. Collection method: literature only. Allele origin: germline. Affected: yes. Not counted in ClinVar's aggregate classification.
Comment: PVS1: Splicing site (+1). PM2: Absent from GnomAD

Labcorp Genetics (formerly Invitae), Labcorp
Classification: Pathogenic for Mucopolysaccharidosis type 1. Last evaluated: 2018-11-14. Review status: criteria provided, single submitter. Criteria: Invitae Variant Classification Sherloc (09022015). Collection method: clinical testing. Allele origin: germline. Not counted in ClinVar's aggregate classification.
Comment: Donor and acceptor splice site variants typically lead to a loss of protein function (PMID: 16199547), and loss-of-function variants in IDUA are known to be pathogenic (PMID: 11735025, 21480867). This sequence change affects a donor splice site in intron 12 of the IDUA gene. It is expected to disrupt RNA splicing and likely results in an absent or disrupted protein product. This variant is not present in population databases (ExAC no frequency). This variant has been observed to be homozygous in individuals affected with mucopolysaccharidosis type I (PMID: 21394825, Invitae). Algorithms developed to predict the effect of sequence changes on RNA splicing suggest that this variant may disrupt the consensus splice site, but this prediction has not been confirmed by published transcriptional studies. For these reasons, this variant has been classified as Pathogenic.

Literature cited by the submitters: PubMed 21394825 (cited by Laboratory of Diagnosis and Therapy of Lysosomal Disorders, University of Padova and Labcorp Genetics (formerly Invitae), Labcorp); PubMed 30809705 (cited by Laboratory of Diagnosis and Therapy of Lysosomal Disorders, University of Padova); PubMed 16199547 (cited by Labcorp Genetics (formerly Invitae), Labcorp); PubMed 11735025 (cited by Labcorp Genetics (formerly Invitae), Labcorp); PubMed 21480867 (cited by Labcorp Genetics (formerly Invitae), Labcorp).

NM_000203.5(IDUA):c.1727+1G>A

Gene: IDUA (alpha-L-iduronidase; plus strand). Cytogenetic location: 4p16.3.
Variant type: single nucleotide variant.
Coding change: c.1727+1G>A on transcript NM_000203.5 (MANE Select); the canonical splice donor site of the intron after coding-DNA position 1727, G replaced by A.
Molecular consequence: splice donor variant. On other transcripts: non-coding transcript variant (1).
Genome position (GRCh38, 1-based): chr4:1,003,626, G>A. VCF-style: chr4-1003626-G-A. GRCh37 (hg19) VCF-style: chr4-997414-G-A.
Other names: c.1331+1G>A (NM_001363576.1).
Identifiers: ClinVar variation 638077 (VCV000638077.10), dbSNP rs1577544451, ClinGen allele CA355965296.